The following is an entry in ClinVar:

ClinVar aggregate classification (germline): Pathogenic (1 of 4 stars; one submission).

Conditions:
Gaucher disease. Also called: Acute cerebral Gaucher disease; Cerebroside lipidosis syndrome; Gaucher splenomegaly; Sphingolipidosis 1; Glucocerebrosidosis; Glucosylceramidase deficiency. Identifiers: Orphanet 355, MedGen C0017205, MONDO:0018150.

Submission:

Women's Health and Genetics/Laboratory Corporation of America, LabCorp
Classification: Pathogenic for Gaucher disease. Last evaluated: 2017-02-16. Review status: criteria provided, single submitter. Criteria: LabCorp Variant Classification Summary - May 2015. Collection method: clinical testing. Allele origin: germline.
Comment: Variant summary: The GBA c.630delC (p.Val211Phefs) variant results in a premature termination codon, predicted to cause a truncated or absent GBA protein due to nonsense mediated decay, which are commonly known mechanisms for disease. Truncations downstream of this position have been classified as pathogenic by our laboratory (e.g.c.1029delT/ p.Tyr343fs). One in silico tool predicts a damaging outcome for this variant. This variant is absent in 74870 control chromosomes. However, it has been reported in multiple GD patients as compound heterozygotes (mostly with Korean ethnicities). Taken together, this variant is classified as pathogenic.

Literature cited by the submitters: PubMed 22375149; PubMed 20729108.

NM_000157.4(GBA1):c.630del (p.Val211fs)

Genes: GBA1 (glucosylceramidase beta 1; minus strand), LOC106627981 (GBA recombination region; plus strand). Cytogenetic location: 1q22.
Variant type: Deletion.
Coding change: c.630del on transcript NM_000157.4 (MANE Select); coding-DNA position 630, one base deleted (C; older notation c.630delC).
Protein change: p.Val211fs; shifts the reading frame from valine 211.
Molecular consequence: frameshift variant.
Genome position (GRCh38, 1-based): chr1:155,238,265, G deleted on the plus strand (C on the coding strand, the reverse complement: GBA1 is on the minus strand); the first of 3 consecutive G bases (chr1:155,238,265-155,238,267); deleting any one gives the same sequence. VCF-style (leftmost placement, unchanged base first): chr1-155238264-CG-C. GRCh37 (hg19) VCF-style: chr1-155208055-CG-C.
Other names: c.630del, p.Val211fs (NM_001005741.3, NM_001005742.3); c.369del, p.Val124fs (NM_001171811.2); c.483del, p.Val162fs (NM_001171812.2); short protein forms V162fs, V211fs, V124fs.
Identifiers: ClinVar variation 496084 (VCV000496084.2), dbSNP rs1553217879, ClinGen allele CA658683166.